The following is an entry in ClinVar:

NM_000321.3(RB1):c.512T>C (p.Leu171Pro)

Gene: RB1 (RB transcriptional corepressor 1; plus strand). Cytogenetic location: 13q14.2.
Variant type: single nucleotide variant.
Coding change: c.512T>C on transcript NM_000321.3 (MANE Select); coding-DNA position 512, T replaced by C.
Protein change: p.Leu171Pro; replaces leucine 171 with proline.
Molecular consequence: missense variant.
Genome position (GRCh38, 1-based): chr13:48,347,836, T>C. VCF-style: chr13-48347836-T-C. GRCh37 (hg19) VCF-style: chr13-48921972-T-C.
Other names: c.512T>C, p.Leu171Pro (NM_001407165.1, NM_001407166.1); short protein forms L171P.
Identifiers: ClinVar variation 2892271 (VCV002892271.5), dbSNP rs2542163637, ClinGen allele CA388156802.
Genomic context (GRCh38, chr13:48,347,836, plus strand): 5'-TTCTAAATTACGAAAAAATGTTAAAAAGTCATAATGTTTTTCTTTTCAGGACATGTGAAC[T>C]TATATATTTGACACAACCCAGCAGTTCGTAAGTAGTTCACAGAATGTTATTTTTCACTTA-3'
Protein context (NP_000312.2, residues 161-181): LFSKLERTCE[Leu171Pro]IYLTQPSSSI

ClinVar aggregate classification (germline): Uncertain significance. Review status: criteria provided, multiple submitters, no conflicts (2 of 4 stars). 2 submissions from 2 submitters: Uncertain significance (2). Last evaluated 2025-01-15.

Conditions:
Hereditary cancer-predisposing syndrome. Also called: Neoplastic Syndromes, Hereditary; Hereditary neoplastic syndrome; Tumor predisposition; Hereditary Cancer Syndrome. Identifiers: Orphanet 140162, MedGen C0027672, MeSH D009386, MONDO:0015356.
Retinoblastoma (RB1). Also called: RETINOBLASTOMA, SOMATIC. Identifiers: Orphanet 790, MedGen C0035335, MeSH D012175, MONDO:0008380, OMIM 180200, HP:0009919. Disease mechanism: loss of function. Inheritance: Both sporadic and heritable forms are tested..

Allele frequency attached by ClinVar (database versions not stated): gnomAD exomes below 0.00001.
gnomAD v4.1: 2 of 1,593,478 alleles (0.00013%); highest among the groups gnomAD compares: Non-Finnish European, 0.00017%; no homozygotes.

Submissions (2):

Ambry Genetics
Classification: Uncertain significance for Hereditary cancer-predisposing syndrome. Last evaluated: 2025-01-15. Review status: criteria provided, single submitter. Criteria: Ambry Variant Classification Scheme 2023. Collection method: clinical testing. Allele origin: germline.
Comment: The p.L171P variant (also known as c.512T>C), located in coding exon 5 of the RB1 gene, results from a T to C substitution at nucleotide position 512. The leucine at codon 171 is replaced by proline, an amino acid with similar properties. This amino acid position is well conserved in available vertebrate species. In addition, the in silico prediction for this alteration is inconclusive. Based on the available evidence, the clinical significance of this variant remains unclear.

Labcorp Genetics (formerly Invitae), Labcorp
Classification: Uncertain significance for Retinoblastoma. Last evaluated: 2023-09-29. Review status: criteria provided, single submitter. Criteria: Invitae Variant Classification Sherloc (09022015). Collection method: clinical testing. Allele origin: germline.
Comment: In summary, the available evidence is currently insufficient to determine the role of this variant in disease. Therefore, it has been classified as a Variant of Uncertain Significance. This sequence change replaces leucine, which is neutral and non-polar, with proline, which is neutral and non-polar, at codon 171 of the RB1 protein (p.Leu171Pro). This variant is not present in population databases (gnomAD no frequency). This variant has not been reported in the literature in individuals affected with RB1-related conditions. Advanced modeling of protein sequence and biophysical properties (such as structural, functional, and spatial information, amino acid conservation, physicochemical variation, residue mobility, and thermodynamic stability) has been performed at Invitae for this missense variant, however the output from this modeling did not meet the statistical confidence thresholds required to predict the impact of this variant on RB1 protein function.